The following is an entry in ClinVar:

ClinVar aggregate classification (germline): Uncertain significance (1 of 4 stars; one submission).

Conditions:
Epilepsy, childhood absence, susceptibility to, 5. Identifiers: Orphanet 64280, MedGen C2677087, MONDO:0012843, OMIM 612269.
Epilepsy, childhood absence, susceptibility to, 1. Also called: Epilepsy, childhood absence 1. Identifiers: Orphanet 64280, MedGen C1838604, MONDO:0020759, OMIM 600131.

Submission:

Labcorp Genetics (formerly Invitae), Labcorp
Classification: Uncertain significance for Epilepsy, childhood absence, susceptibility to, 5; Epilepsy, childhood absence, susceptibility to, 1. Last evaluated: 2021-03-12. Review status: criteria provided, single submitter. Criteria: Invitae Variant Classification Sherloc (09022015). Collection method: clinical testing. Allele origin: germline.
Comment: In summary, the available evidence is currently insufficient to determine the role of this variant in disease. Therefore, it has been classified as a Variant of Uncertain Significance. Experimental studies and prediction algorithms are not available or were not evaluated, and the functional significance of this variant is currently unknown. This variant has not been reported in the literature in individuals with GABRB3-related conditions. This variant is not present in population databases (ExAC no frequency). This sequence change creates a premature translational stop signal (p.Arg450*) in the GABRB3 gene. While this is not anticipated to result in nonsense mediated decay, it is expected to disrupt the last 24 amino acid(s) of the GABRB3 protein.

NM_000814.6(GABRB3):c.1348A>T (p.Arg450Ter)

Gene: GABRB3 (gamma-aminobutyric acid type A receptor subunit beta3; minus strand). Cytogenetic location: 15q12.
Variant type: single nucleotide variant.
Coding change: c.1348A>T on transcript NM_000814.6 (MANE Select); coding-DNA position 1348, A replaced by T.
Protein change: p.Arg450Ter; replaces arginine 450 with a stop codon.
Molecular consequence: nonsense.
Genome position (GRCh38, 1-based): chr15:26,547,867, T>A on the plus strand (A>T on the coding strand, the complement: GABRB3 is on the minus strand). VCF-style: chr15-26547867-T-A. GRCh37 (hg19) VCF-style: chr15-26793014-T-A.
Other names: c.1093A>T, p.Arg365Ter (NM_001191320.2, NM_001278631.2); c.1135A>T, p.Arg379Ter (NM_001191321.3); c.1348A>T, p.Arg450Ter (NM_021912.5); short protein forms R450*, R379*, R365*.
Identifiers: ClinVar variation 1516150 (VCV001516150.8), dbSNP rs2140645141, ClinGen allele CA391458554.